The following is an entry in ClinVar:

NM_017852.5(NLRP2):c.729C>G (p.Phe243Leu)

Gene: NLRP2 (NLR family pyrin domain containing 2; plus strand). Cytogenetic location: 19q13.42.
Variant type: single nucleotide variant.
Coding change: c.729C>G on transcript NM_017852.5 (MANE Select); coding-DNA position 729, C replaced by G.
Protein change: p.Phe243Leu; replaces phenylalanine 243 with leucine.
Molecular consequence: missense variant. On other transcripts: non-coding transcript variant (1).
Genome position (GRCh38, 1-based): chr19:54,982,427, C>G. VCF-style: chr19-54982427-C-G. GRCh37 (hg19) VCF-style: chr19-55493795-C-G.
Other names: c.729C>G, p.Phe243Leu (NM_001174081.3); c.663C>G, p.Phe221Leu (NM_001174082.3); c.660C>G, p.Phe220Leu (NM_001174083.2); c.720C>G, p.Phe240Leu (NM_001348003.2); short protein forms F220L, F221L, F240L, F243L.
Identifiers: ClinVar variation 2573683 (VCV002573683.1), dbSNP rs141157304, ClinGen allele CA407430170.

ClinVar aggregate classification (germline): Uncertain significance (1 of 4 stars; one submission).

Submission:

GeneDx
Classification: Uncertain significance. Last evaluated: 2023-01-18. Review status: criteria provided, single submitter. Criteria: GeneDx Variant Classification Process June 2021. Collection method: clinical testing. Allele origin: germline. Affected: yes.
Comment: Not observed at significant frequency in large population cohorts (gnomAD); In silico analysis supports that this missense variant has a deleterious effect on protein structure/function; Has not been previously published as pathogenic or benign to our knowledge